The following is an entry in ClinVar:

NM_001376.5(DYNC1H1):c.12214G>T (p.Gly4072Cys)

Gene: DYNC1H1 (dynein cytoplasmic 1 heavy chain 1; plus strand). Cytogenetic location: 14q32.31.
Variant type: single nucleotide variant.
Coding change: c.12214G>T on transcript NM_001376.5 (MANE Select); coding-DNA position 12214, G replaced by T.
Protein change: p.Gly4072Cys; replaces glycine 4072 with cysteine.
Molecular consequence: missense variant.
Genome position (GRCh38, 1-based): chr14:102,042,124, G>T. VCF-style: chr14-102042124-G-T. GRCh37 (hg19) VCF-style: chr14-102508461-G-T.
Other names: short protein forms G4072C.
Identifiers: ClinVar variation 1320087 (VCV001320087.1), dbSNP rs2152596521, ClinGen allele CA391038920.

ClinVar aggregate classification (germline): Likely pathogenic (1 of 4 stars; one submission).

Conditions:
Cortical dysplasia, complex, with other brain malformations 13. Also called: Intellectual disability, autosomal dominant 13. Identifiers: MedGen C3281202, MONDO:0013805, OMIM 614563.

Submission:

3billion
Classification: Likely pathogenic for Cortical dysplasia, complex, with other brain malformations 13. Last evaluated: 2021-10-02. Review status: criteria provided, single submitter. Criteria: ACMG Guidelines, 2015. Collection method: clinical testing. Allele origin: germline. Affected: yes. Observed: 1 heterozygote.
Comment: The variant was observed as assumed (i.e. paternity and maternity not confirmed) de novoo (3billion dataset, PM6). It is not observed in the gnomAD v2.1.1 dataset (PM2). In silico tool predictions suggest damaging effect of the variant on gene or gene product (REVEL: 0.728, PP3). Patient is considered compatible with Mental retardation, autosomal dominant 13 (PP4_P).Therefore, this variant is classified as likey pathogenic according to the recommendation of ACMG/AMP guideline.